The following is an entry in ClinVar:

ClinVar aggregate classification (germline): Uncertain significance. Review status: criteria provided, multiple submitters, no conflicts (2 of 4 stars). 3 submissions from 3 submitters: Uncertain significance (3). Last evaluated 2025-07-20.

Conditions:
Hereditary cancer-predisposing syndrome. Also called: Neoplastic Syndromes, Hereditary; Hereditary Cancer Syndrome; Tumor predisposition; Hereditary neoplastic syndrome. Identifiers: Orphanet 140162, MedGen C0027672, MeSH D009386, MONDO:0015356.
Patterned macular dystrophy 2. Identifiers: Orphanet 99001, MedGen C1837029, MONDO:0012162, OMIM 608970.

Submissions (3):

Labcorp Genetics (formerly Invitae), Labcorp
Classification: Uncertain significance. Last evaluated: 2025-07-20. Review status: criteria provided, single submitter. Criteria: Invitae Variant Classification Sherloc (09022015). Collection method: clinical testing. Allele origin: germline.
Comment: This sequence change replaces aspartic acid, which is acidic and polar, with tyrosine, which is neutral and polar, at codon 265 of the CTNNA1 protein (p.Asp265Tyr). This variant is not present in population databases (gnomAD no frequency). This variant has not been reported in the literature in individuals affected with CTNNA1-related conditions. ClinVar contains an entry for this variant (Variation ID: 851888). Invitae Evidence Modeling of protein sequence and biophysical properties (such as structural, functional, and spatial information, amino acid conservation, physicochemical variation, residue mobility, and thermodynamic stability) indicates that this missense variant is not expected to disrupt CTNNA1 protein function with a negative predictive value of 80%. In summary, the available evidence is currently insufficient to determine the role of this variant in disease. Therefore, it has been classified as a Variant of Uncertain Significance.

Ambry Genetics
Classification: Uncertain significance for Hereditary cancer-predisposing syndrome. Last evaluated: 2025-06-19. Review status: criteria provided, single submitter. Criteria: Ambry Variant Classification Scheme 2023. Collection method: clinical testing. Allele origin: germline.
Comment: The p.D265Y variant (also known as c.793G>T), located in coding exon 5 of the CTNNA1 gene, results from a G to T substitution at nucleotide position 793. The aspartic acid at codon 265 is replaced by tyrosine, an amino acid with highly dissimilar properties. This amino acid position is conserved. In addition, this alteration is predicted to be tolerated by in silico analysis. Since supporting evidence is limited at this time, the clinical significance of this alteration remains unclear.

Fulgent Genetics
Classification: Uncertain significance for Patterned macular dystrophy 2. Last evaluated: 2021-11-29. Review status: criteria provided, single submitter. Criteria: ACMG Guidelines, 2015. Collection method: clinical testing. Allele origin: unknown.

NM_001903.5(CTNNA1):c.793G>T (p.Asp265Tyr)

Gene: CTNNA1 (catenin alpha 1; plus strand). Cytogenetic location: 5q31.2.
Variant type: single nucleotide variant.
Coding change: c.793G>T on transcript NM_001903.5 (MANE Select); coding-DNA position 793, G replaced by T.
Protein change: p.Asp265Tyr; replaces aspartic acid 265 with tyrosine.
Molecular consequence: missense variant.
Genome position (GRCh38, 1-based): chr5:138,824,734, G>T. VCF-style: chr5-138824734-G-T. GRCh37 (hg19) VCF-style: chr5-138160423-G-T.
Other names: c.793G>T (NM_001903.2); c.793G>T, p.Asp265Tyr (NM_001290307.3, NM_001323982.2, NM_001323983.1 and 3 more transcripts); c.484G>T, p.Asp162Tyr (NM_001290309.3); c.424G>T, p.Asp142Tyr (NM_001290310.3); short protein forms D162Y, D142Y, D265Y.
Identifiers: ClinVar variation 851888 (VCV000851888.13), dbSNP rs1760467219, ClinGen allele CA361130053.